The following is an entry in ClinVar:

ClinVar aggregate classification (germline): Likely benign. Review status: criteria provided, multiple submitters, no conflicts (2 of 4 stars). 3 submissions from 3 submitters: Likely benign (2). 1 of the submissions does not count toward it. Last evaluated 2026-01-03.

Conditions:
LAMA5-related disorder. Also called: LAMA5-related condition; LAMA5-Related Disorders.

Allele frequency attached by ClinVar (database versions not stated): gnomAD 0.00025 and 0.00024; TOPMed 0.00026; ExAC 0.00049; 1000 Genomes Project 0.00080; 1000 Genomes Project 30x 0.00094; ESP Exome Variant Server 0.00008.
gnomAD v4.1: 273 of 1,602,876 alleles (0.017%); highest among the groups gnomAD compares: Admixed American, 0.19%; no homozygotes.

Submissions (3):

Labcorp Genetics (formerly Invitae), Labcorp
Classification: Likely benign. Last evaluated: 2026-01-03. Review status: criteria provided, single submitter. Criteria: Invitae Variant Classification Sherloc (09022015). Collection method: clinical testing. Allele origin: germline.

Breakthrough Genomics
Classification: Likely benign. Review status: criteria provided, single submitter. Criteria: ACMG Guidelines, 2015. Collection method: not provided. Allele origin: germline. Inheritance: Autosomal recessive inheritance. Affected: yes.

PreventionGenetics, part of Exact Sciences
Classification: Likely benign for LAMA5-related condition. Last evaluated: 2022-05-09. Review status: no assertion criteria provided. Collection method: clinical testing. Allele origin: germline. Not counted in ClinVar's aggregate classification.
Comment: This variant is classified as likely benign based on ACMG/AMP sequence variant interpretation guidelines (Richards et al. 2015 PMID: 25741868, with internal and published modifications).

NM_005560.6(LAMA5):c.6388C>T (p.Arg2130Cys)

Gene: LAMA5 (laminin subunit alpha 5; minus strand). Cytogenetic location: 20q13.33.
Variant type: single nucleotide variant.
Coding change: c.6388C>T on transcript NM_005560.6 (MANE Select); coding-DNA position 6388, C replaced by T.
Protein change: p.Arg2130Cys; replaces arginine 2130 with cysteine.
Molecular consequence: missense variant.
Genome position (GRCh38, 1-based): chr20:62,322,127, G>A on the plus strand (C>T on the coding strand, the complement: LAMA5 is on the minus strand). VCF-style: chr20-62322127-G-A. GRCh37 (hg19) VCF-style: chr20-60897183-G-A.
Other names: short protein forms R2130C.
Identifiers: ClinVar variation 708904 (VCV000708904.12), dbSNP rs151180846, ClinGen allele CA9941765.